The following is an entry in ClinVar:

NM_015665.6(AAAS):c.618del (p.Ser207fs)

Gene: AAAS (aladin WD repeat nucleoporin; minus strand). Cytogenetic location: 12q13.13.
Variant type: Deletion.
Coding change: c.618del on transcript NM_015665.6 (MANE Select); coding-DNA position 618, one base deleted (C; older notation c.618delC).
Protein change: p.Ser207fs; shifts the reading frame from serine 207.
Molecular consequence: frameshift variant.
Genome position (GRCh38, 1-based): chr12:53,314,369, G deleted on the plus strand (C on the coding strand, the reverse complement: AAAS is on the minus strand); the first of 2 consecutive G bases (chr12:53,314,369-53,314,370); deleting either gives the same sequence. VCF-style (leftmost placement, unchanged base first): chr12-53314368-AG-A. GRCh37 (hg19) VCF-style: chr12-53708152-AG-A.
Other names: c.519del, p.Ser174fs (NM_001173466.2); short protein forms S174fs, S207fs.
Identifiers: ClinVar variation 2735889 (VCV002735889.3), dbSNP rs1380453534, ClinGen allele CA479919925.

ClinVar aggregate classification (germline): Pathogenic (1 of 4 stars; one submission).

Submission:

Labcorp Genetics (formerly Invitae), Labcorp
Classification: Pathogenic. Last evaluated: 2023-03-26. Review status: criteria provided, single submitter. Criteria: Invitae Variant Classification Sherloc (09022015). Collection method: clinical testing. Allele origin: germline.
Comment: This sequence change creates a premature translational stop signal (p.Ser207Leufs*84) in the AAAS gene. It is expected to result in an absent or disrupted protein product. Loss-of-function variants in AAAS are known to be pathogenic (PMID: 11159947). This variant is present in population databases (no rsID available, gnomAD 0.0009%). This premature translational stop signal has been observed in individual(s) with triple A syndrome (PMID: 20200814). For these reasons, this variant has been classified as Pathogenic.

Literature cited by the submitters: PubMed 11159947; PubMed 20200814.